The following is an entry in ClinVar:

ClinVar aggregate classification (germline): Uncertain significance (1 of 4 stars; one submission).

Conditions:
Oligosynaptic infertility (SPGF1). Also called: OLIGOCHIASMATIC INFERTILITY; SPERMATOGENIC FAILURE 1. Identifiers: MedGen C0403810, MONDO:0009776, OMIM 258150.
46 XY differences of sex development. Also called: 46,XY disorder of sex development; 46, XY disorder of sex development (DSD). Identifiers: Orphanet 98085, MedGen C2751824, MONDO:0020040.

Submission:

Labcorp Genetics (formerly Invitae), Labcorp
Classification: Uncertain significance for 46 XY differences of sex development; Oligosynaptic infertility. Last evaluated: 2018-11-28. Review status: criteria provided, single submitter. Criteria: Invitae Variant Classification Sherloc (09022015). Collection method: clinical testing. Allele origin: germline.
Comment: In summary, the available evidence is currently insufficient to determine the role of this variant in disease. Therefore, it has been classified as a Variant of Uncertain Significance. Algorithms developed to predict the effect of missense changes on protein structure and function are either unavailable or do not agree on the potential impact of this missense change (SIFT: "Deleterious"; PolyPhen-2: "Probably Damaging"; Align-GVGD: "Class C15"). This variant has not been reported in the literature in individuals with NR5A1-related conditions. This variant is not present in population databases (ExAC no frequency). This sequence change replaces glutamine with histidine at codon 314 of the NR5A1 protein (p.Gln314His). The glutamine residue is highly conserved and there is a small physicochemical difference between glutamine and histidine.

NM_004959.5(NR5A1):c.942G>C (p.Gln314His)

Gene: NR5A1 (nuclear receptor subfamily 5 group A member 1; minus strand). Cytogenetic location: 9q33.3.
Variant type: single nucleotide variant.
Coding change: c.942G>C on transcript NM_004959.5 (MANE Select); coding-DNA position 942, G replaced by C.
Protein change: p.Gln314His; replaces glutamine 314 with histidine.
Molecular consequence: missense variant.
Genome position (GRCh38, 1-based): chr9:124,493,078, C>G on the plus strand (G>C on the coding strand, the complement: NR5A1 is on the minus strand). VCF-style: chr9-124493078-C-G. GRCh37 (hg19) VCF-style: chr9-127255357-C-G.
Other names: short protein forms Q314H.
Identifiers: ClinVar variation 641462 (VCV000641462.10), dbSNP rs201103618, ClinGen allele CA374882245.